The following is an entry in ClinVar:

NM_138694.4(PKHD1):c.9962A>G (p.Asp3321Gly)

Gene: PKHD1 (PKHD1 ciliary IPT domain containing fibrocystin/polyductin; minus strand). Cytogenetic location: 6p12.3.
Variant type: single nucleotide variant.
Coding change: c.9962A>G on transcript NM_138694.4 (MANE Select); coding-DNA position 9962, A replaced by G.
Protein change: p.Asp3321Gly; replaces aspartic acid 3321 with glycine.
Molecular consequence: missense variant.
Genome position (GRCh38, 1-based): chr6:51,746,757, T>C on the plus strand (A>G on the coding strand, the complement: PKHD1 is on the minus strand). VCF-style: chr6-51746757-T-C. GRCh37 (hg19) VCF-style: chr6-51611555-T-C.
Other names: c.9962A>G, p.Asp3321Gly (NM_170724.3); short protein forms D3321G.
Identifiers: ClinVar variation 1328844 (VCV001328844.2), dbSNP rs2150973795, ClinGen allele CA364419266.

ClinVar aggregate classification (germline): Uncertain significance (1 of 4 stars; one submission).

gnomAD v4.1: 1 of 1,610,490 alleles (0.000062%); highest among the groups gnomAD compares: Non-Finnish European, 0.000085%; no homozygotes.

Submission:

GeneDx
Classification: Uncertain significance. Last evaluated: 2021-06-18. Review status: criteria provided, single submitter. Criteria: GeneDx Variant Classification Process June 2021. Collection method: clinical testing. Allele origin: germline. Affected: yes.
Comment: Not observed at significant frequency in large population cohorts (Lek et al., 2016); In silico analysis supports that this missense variant has a deleterious effect on protein structure/function; In addition, in silico splice predictors suggest this variant may lead to abnormal gene splicing; Has not been previously published as pathogenic or benign to our knowledge; This variant is associated with the following publications: (PMID: 27535533)